The following is an entry in ClinVar:

NM_002439.5(MSH3):c.1296G>T (p.Leu432Phe)

Gene: MSH3 (mutS homolog 3; plus strand). Cytogenetic location: 5q14.1.
Variant type: single nucleotide variant.
Coding change: c.1296G>T on transcript NM_002439.5 (MANE Select); coding-DNA position 1296, G replaced by T.
Protein change: p.Leu432Phe; replaces leucine 432 with phenylalanine.
Molecular consequence: missense variant.
Genome position (GRCh38, 1-based): chr5:80,679,049, G>T. VCF-style: chr5-80679049-G-T. GRCh37 (hg19) VCF-style: chr5-79974868-G-T.
Other names: short protein forms L432F.
Identifiers: ClinVar variation 847055 (VCV000847055.14), dbSNP rs373680329, ClinGen allele CA3327852.

ClinVar aggregate classification (germline): Uncertain significance. Review status: criteria provided, multiple submitters, no conflicts (2 of 4 stars). 6 submissions from 6 submitters: Uncertain significance (6). Last evaluated 2026-01-19.

Conditions:
Endometrial carcinoma. Also called: Endometrial carcinoma, somatic. Identifiers: MedGen C0476089, MONDO:0002447, OMIM 608089, HP:0012114.
Familial adenomatous polyposis 4 (FAP4). Also called: MSH3-related attenuated familial adenomatous polyposis. Identifiers: Orphanet 480536, MedGen C4310719, MONDO:0044300, OMIM 617100.
Hereditary cancer-predisposing syndrome. Also called: Tumor predisposition; Hereditary neoplastic syndrome; Neoplastic Syndromes, Hereditary; Hereditary Cancer Syndrome. Identifiers: Orphanet 140162, MedGen C0027672, MeSH D009386, MONDO:0015356.

Allele frequency attached by ClinVar (database versions not stated): ExAC 0.00002; gnomAD exomes 0.00002 and 0.00003; TOPMed 0.00002; gnomAD 0.00005 and 0.00006; ESP Exome Variant Server 0.00008.
gnomAD v4.1: 55 of 1,613,958 alleles (0.0034%); highest among the groups gnomAD compares: Non-Finnish European, 0.0036%; no homozygotes.

Submissions (6):

Labcorp Genetics (formerly Invitae), Labcorp
Classification: Uncertain significance. Last evaluated: 2026-01-19. Review status: criteria provided, single submitter. Criteria: Invitae Variant Classification Sherloc (09022015). Collection method: clinical testing. Allele origin: germline.
Comment: This sequence change replaces leucine, which is neutral and non-polar, with phenylalanine, which is neutral and non-polar, at codon 432 of the MSH3 protein (p.Leu432Phe). This variant is present in population databases (rs373680329, gnomAD 0.01%). This variant has not been reported in the literature in individuals affected with MSH3-related conditions. ClinVar contains an entry for this variant (Variation ID: 847055). An algorithm developed to predict the effect of missense changes on protein structure and function (PolyPhen-2) suggests that this variant is likely to be disruptive. In summary, the available evidence is currently insufficient to determine the role of this variant in disease. Therefore, it has been classified as a Variant of Uncertain Significance.

Department of Pathology and Laboratory Medicine, Sinai Health System
Classification: Uncertain significance for Endometrial carcinoma; Familial adenomatous polyposis 4. Last evaluated: 2025-02-03. Review status: criteria provided, single submitter. Criteria: ACMG Guidelines, 2015. Collection method: clinical testing. Allele origin: germline.

Ambry Genetics
Classification: Uncertain significance for Hereditary cancer-predisposing syndrome. Last evaluated: 2025-01-29. Review status: criteria provided, single submitter. Criteria: Ambry Variant Classification Scheme 2023. Collection method: clinical testing. Allele origin: germline.
Comment: The p.L432F variant (also known as c.1296G>T), located in coding exon 8 of the MSH3 gene, results from a G to T substitution at nucleotide position 1296. The leucine at codon 432 is replaced by phenylalanine, an amino acid with highly similar properties. This amino acid position is well conserved in available vertebrate species. In addition, the in silico prediction for this alteration is inconclusive. Based on the available evidence, the clinical significance of this variant remains unclear.

Quest Diagnostics Nichols Institute San Juan Capistrano
Classification: Uncertain significance. Last evaluated: 2024-07-01. Review status: criteria provided, single submitter. Criteria: Quest Diagnostics criteria. Collection method: clinical testing. Allele origin: unknown.
Comment: The MSH3 c.1296G>T (p.Leu432Phe) variant has not been reported in individuals with MSH3-related conditions in the published literature. The frequency of this variant in the general population, 0.00014 (3/21640 chromosomes (Genome Aggregation Database)), is uninformative in the assessment of its pathogenicity. Analysis of this variant using bioinformatics tools for the prediction of the effect of amino acid changes on protein structure and function yielded conflicting predictions that this variant is benign or damaging. Based on the available information, we are unable to determine the clinical significance of this variant.

Baylor Genetics
Classification: Uncertain significance for Endometrial carcinoma. Last evaluated: 2023-09-04. Review status: criteria provided, single submitter. Criteria: ACMG Guidelines, 2015. Collection method: clinical testing. Allele origin: unknown.

GeneDx
Classification: Uncertain significance. Last evaluated: 2023-03-30. Review status: criteria provided, single submitter. Criteria: GeneDx Variant Classification Process June 2021. Collection method: clinical testing. Allele origin: germline. Affected: yes.
Comment: Not observed at significant frequency in large population cohorts (gnomAD); In silico analysis supports that this missense variant has a deleterious effect on protein structure/function; Has not been previously published as pathogenic or benign to our knowledge